The following is an entry in ClinVar:

ClinVar aggregate classification (germline): Uncertain significance (1 of 4 stars; one submission).

Conditions:
Hereditary cancer-predisposing syndrome. Also called: Neoplastic Syndromes, Hereditary; Tumor predisposition; Hereditary neoplastic syndrome; Hereditary Cancer Syndrome. Identifiers: Orphanet 140162, MedGen C0027672, MeSH D009386, MONDO:0015356.

Submission:

Ambry Genetics
Classification: Uncertain significance for Hereditary cancer-predisposing syndrome. Last evaluated: 2026-07-13. Review status: criteria provided, single submitter. Criteria: Ambry Variant Classification Scheme 2023. Collection method: clinical testing. Allele origin: germline.
Comment: The p.P1126A variant (also known as c.3376C>G), located in coding exon 9 of the BRCA1 gene, results from a C to G substitution at nucleotide position 3376. The proline at codon 1126 is replaced by alanine, an amino acid with highly similar properties. This amino acid position is conserved. In addition, the in silico prediction for this alteration is inconclusive. Based on the available evidence, the clinical significance of this variant remains unclear.

NM_007294.4(BRCA1):c.3376C>G (p.Pro1126Ala)

Genes: BRCA1 (BRCA1 DNA repair associated; minus strand), LOC126862571 (BRD4-independent group 4 enhancer GRCh37_chr17:41243136-41244335; plus strand). Cytogenetic location: 17q21.31.
Variant type: single nucleotide variant.
Coding change: c.3376C>G on transcript NM_007294.4 (MANE Select); coding-DNA position 3376, C replaced by G.
Protein change: p.Pro1126Ala; replaces proline 1126 with alanine.
Molecular consequence: missense variant. On other transcripts: intron variant (137).
Genome position (GRCh38, 1-based): chr17:43,092,155, G>C on the plus strand (C>G on the coding strand, the complement: BRCA1 is on the minus strand). VCF-style: chr17-43092155-G-C. GRCh37 (hg19) VCF-style: chr17-41244172-G-C.
Other names: c.3235C>G, p.Pro1079Ala (NM_001407694.1, NM_001407695.1, NM_001407696.1 and 29 more transcripts); c.3373C>G, p.Pro1125Ala (NM_001407614.1, NM_001407615.1, NM_001407627.1 and 22 more transcripts); c.3376C>G, p.Pro1126Ala (NM_001407616.1, NM_001407617.1, NM_001407618.1 and 30 more transcripts); c.3250C>G, p.Pro1084Ala (NM_001407671.1, NM_001407672.1, NM_001407673.1 and 11 more transcripts); c.3253C>G, p.Pro1085Ala (NM_001407674.1, NM_001407675.1, NM_001407676.1 and 19 more transcripts); c.3163C>G, p.Pro1055Ala (NM_001407571.1, NM_001407853.1, NM_001407894.1 and 9 more transcripts); c.3367C>G, p.Pro1123Ala (NM_001407646.1, NM_001407647.1); c.3298C>G, p.Pro1100Ala (NM_001407653.1, NM_001407654.1, NM_001407655.1 and 4 more transcripts); and 41 more; short protein forms P1037A, P1038A, P1056A, P1123A, P1125A, P958A, P1015A, P1058A.
Identifiers: ClinVar variation 5033190 (VCV005033190.1).